The following is an entry in ClinVar:

ClinVar aggregate classification (germline): Pathogenic. Review status: criteria provided, multiple submitters, no conflicts (2 of 4 stars). 3 submissions from 3 submitters: Pathogenic (3). Last evaluated 2025-12-10.

Conditions:
Hereditary cancer-predisposing syndrome. Also called: Hereditary Cancer Syndrome; Tumor predisposition; Hereditary neoplastic syndrome; Neoplastic Syndromes, Hereditary. Identifiers: Orphanet 140162, MedGen C0027672, MeSH D009386, MONDO:0015356.
Oligodontia-cancer predisposition syndrome. Also called: TOOTH AGENESIS-COLORECTAL CANCER SYNDROME. Identifiers: Orphanet 300576, MedGen C1837750, MONDO:0012075, OMIM 608615. Disease mechanism: loss of function.

Submissions (3):

Myriad Genetics, Inc.
Classification: Pathogenic for Oligodontia-cancer predisposition syndrome. Last evaluated: 2025-12-10. Review status: criteria provided, single submitter. Criteria: Myriad Autosomal Dominant, Autosomal Recessive and X-Linked Classification Criteria (2023). Collection method: clinical testing. Allele origin: unknown.
Comment: This variant is considered pathogenic. This variant creates a frameshift predicted to result in premature protein truncation.

Ambry Genetics
Classification: Pathogenic for Hereditary cancer-predisposing syndrome. Last evaluated: 2025-10-03. Review status: criteria provided, single submitter. Criteria: Ambry Variant Classification Scheme 2023. Collection method: clinical testing. Allele origin: germline.
Comment: The c.2023dupC pathogenic mutation, located in coding exon 7 of the AXIN2 gene, results from a duplication of C at nucleotide position 2023, causing a translational frameshift with a predicted alternate stop codon (p.R675Pfs*32). This variant is considered to be rare based on population cohorts in the Genome Aggregation Database (gnomAD). This alteration is expected to result in loss of function by premature protein truncation or nonsense-mediated mRNA decay. As such, this alteration is interpreted as a disease-causing mutation.

Labcorp Genetics (formerly Invitae), Labcorp
Classification: Pathogenic for Oligodontia-cancer predisposition syndrome. Last evaluated: 2024-07-09. Review status: criteria provided, single submitter. Criteria: Invitae Variant Classification Sherloc (09022015). Collection method: clinical testing. Allele origin: germline.
Comment: This sequence change creates a premature translational stop signal (p.Arg675Profs*32) in the AXIN2 gene. It is expected to result in an absent or disrupted protein product. Loss-of-function variants in AXIN2 are known to be pathogenic (PMID: 15042511, 21416598). This variant is not present in population databases (gnomAD no frequency). This variant has not been reported in the literature in individuals affected with AXIN2-related conditions. ClinVar contains an entry for this variant (Variation ID: 1415792). For these reasons, this variant has been classified as Pathogenic.

Literature cited by the submitters: PubMed 15042511 (cited by Labcorp Genetics (formerly Invitae), Labcorp); PubMed 21416598 (cited by Labcorp Genetics (formerly Invitae), Labcorp).

NM_004655.4(AXIN2):c.2023dup (p.Arg675fs)

Gene: AXIN2 (axin 2; minus strand). Cytogenetic location: 17q24.1.
Variant type: Duplication.
Coding change: c.2023dup on transcript NM_004655.4 (MANE Select); coding-DNA position 2023, one base duplicated (C; older notation c.2023dupC).
Protein change: p.Arg675fs; shifts the reading frame from arginine 675.
Molecular consequence: frameshift variant.
Genome position (GRCh38, 1-based): chr17:65,536,438, G duplicated on the plus strand (C on the coding strand, the reverse complement: AXIN2 is on the minus strand); the first of 6 consecutive G bases (chr17:65,536,438-65,536,443); duplicating any one gives the same sequence. VCF-style (leftmost placement, unchanged base first): chr17-65536437-C-CG. GRCh37 (hg19) VCF-style: chr17-63532555-C-CG.
Other names: c.1828dup, p.Arg610fs (NM_001363813.1); short protein forms R610fs, R675fs.
Identifiers: ClinVar variation 1415792 (VCV001415792.10), dbSNP rs1555577121, ClinGen allele CA2270883380.
Genomic context (GRCh38, chr17:65,536,437, plus strand): 5'-GCCAGCGTGTTGGGTGGGGTCAGGGGAGGCATCGCAGGGTCCTGGGTGAACAGGTGGGCA[C>CG]GGGGGGTGGTGCGGGGGTGCCCGCTGTTGCCCCCCCACAGATGGTGCCGGCTGGCTCGTT-3'